The following is an entry in ClinVar:

NM_001127178.3(PIGG):c.1512G>A (p.Ser504=)

Gene: PIGG (phosphatidylinositol glycan anchor biosynthesis class G (EMM blood group); plus strand). Cytogenetic location: 4p16.3.
Variant type: single nucleotide variant.
Coding change: c.1512G>A on transcript NM_001127178.3 (MANE Select); coding-DNA position 1512, G replaced by A.
Protein change: p.Ser504=; no amino-acid change (serine 504 retained).
Molecular consequence: synonymous variant. On other transcripts: 3 prime UTR variant (2), 5 prime UTR variant (2), non-coding transcript variant (10).
Genome position (GRCh38, 1-based): chr4:521,839, G>A. VCF-style: chr4-521839-G-A. GRCh37 (hg19) VCF-style: chr4-515628-G-A.
Other names: c.1245G>A, p.Ser415= (NM_001289051.2, NM_001289053.2, NM_001345986.2); c.1113G>A, p.Ser371= (NM_001289052.2); c.*74G>A (NM_001289055.2); c.*127G>A (NM_001289057.2); c.1221G>A, p.Ser407= (NM_001345987.2); c.483G>A, p.Ser161= (NM_001345988.2); c.1512G>A, p.Ser504= (NM_001345989.2); c.-22G>A (NM_001345990.2, NM_001345991.2); and 3 more.
Identifiers: ClinVar variation 1655729 (VCV001655729.9), dbSNP rs35851965, ClinGen allele CA2793329.

ClinVar aggregate classification (germline): Likely benign. Review status: criteria provided, single submitter (1 of 4 stars). 2 submissions from 2 submitters: Likely benign (1). 1 of the submissions does not count toward it. Last evaluated 2025-12-21.

Conditions:
Intellectual disability, autosomal recessive 53 (NEDHSCA). Also called: NEURODEVELOPMENTAL DISORDER WITH OR WITHOUT HYPOTONIA, SEIZURES, AND CEREBELLAR ATROPHY; GLYCOSYLPHOSPHATIDYLINOSITOL BIOSYNTHESIS DEFECT 13; Mental retardation, autosomal recessive 53. Identifiers: Orphanet 488635, MedGen C4310794, MONDO:0014832, OMIM 616917.
PIGG-related disorder. Also called: PIGG-related condition.

Allele frequency attached by ClinVar (database versions not stated): TOPMed 0.00001; gnomAD 0.00003.
gnomAD v4.1: 82 of 1,614,086 alleles (0.0051%); highest among the groups gnomAD compares: Middle Eastern, 0.016%; no homozygotes.

Submissions (2):

Labcorp Genetics (formerly Invitae), Labcorp
Classification: Likely benign for Intellectual disability, autosomal recessive 53. Last evaluated: 2025-12-21. Review status: criteria provided, single submitter. Criteria: Invitae Variant Classification Sherloc (09022015). Collection method: clinical testing. Allele origin: germline.

PreventionGenetics, part of Exact Sciences
Classification: Likely benign for PIGG-related condition. Last evaluated: 2019-05-24. Review status: no assertion criteria provided. Collection method: clinical testing. Allele origin: germline. Not counted in ClinVar's aggregate classification.
Comment: This variant is classified as likely benign based on ACMG/AMP sequence variant interpretation guidelines (Richards et al. 2015 PMID: 25741868, with internal and published modifications).